The following is an entry in ClinVar:

NM_032520.5(GNPTG):c.176C>G (p.Ser59Cys)

Gene: GNPTG (N-acetylglucosamine-1-phosphate transferase subunit gamma; plus strand). Cytogenetic location: 16p13.3.
Variant type: single nucleotide variant.
Coding change: c.176C>G on transcript NM_032520.5 (MANE Select); coding-DNA position 176, C replaced by G.
Protein change: p.Ser59Cys; replaces serine 59 with cysteine.
Molecular consequence: missense variant.
Genome position (GRCh38, 1-based): chr16:1,352,304, C>G. VCF-style: chr16-1352304-C-G. GRCh37 (hg19) VCF-style: chr16-1402305-C-G.
Other names: short protein forms S59C.
Identifiers: ClinVar variation 2175484 (VCV002175484.1), dbSNP rs2548185922, ClinGen allele CA394184655.

ClinVar aggregate classification (germline): Uncertain significance (1 of 4 stars; one submission).

Allele frequency attached by ClinVar (database versions not stated): gnomAD exomes below 0.00001.

Submission:

Labcorp Genetics (formerly Invitae), Labcorp
Classification: Uncertain significance. Last evaluated: 2022-06-29. Review status: criteria provided, single submitter. Criteria: Invitae Variant Classification Sherloc (09022015). Collection method: clinical testing. Allele origin: germline.
Comment: This sequence change replaces serine, which is neutral and polar, with cysteine, which is neutral and slightly polar, at codon 59 of the GNPTG protein (p.Ser59Cys). This variant is not present in population databases (gnomAD no frequency). This variant has not been reported in the literature in individuals affected with GNPTG-related conditions. Algorithms developed to predict the effect of missense changes on protein structure and function are either unavailable or do not agree on the potential impact of this missense change (SIFT: "Deleterious"; PolyPhen-2: "Probably Damaging"; Align-GVGD: "Class C0"). In summary, the available evidence is currently insufficient to determine the role of this variant in disease. Therefore, it has been classified as a Variant of Uncertain Significance.